The following is an entry in ClinVar:

ClinVar aggregate classification (germline): Pathogenic (1 of 4 stars; one submission).

Conditions:
Congenital myasthenic syndrome 8. Also called: MYASTHENIC SYNDROME, CONGENITAL, DUE TO AGRIN DEFICIENCY; Myasthenic syndrome, congenital, 8, with pre- and postsynaptic defects. Identifiers: Orphanet 590, MedGen C3808739, MONDO:0014052, OMIM 615120.

Submission:

Labcorp Genetics (formerly Invitae), Labcorp
Classification: Pathogenic for Congenital myasthenic syndrome 8. Last evaluated: 2021-12-15. Review status: criteria provided, single submitter. Criteria: Invitae Variant Classification Sherloc (09022015). Collection method: clinical testing. Allele origin: germline.
Comment: For these reasons, this variant has been classified as Pathogenic. This variant has not been reported in the literature in individuals affected with AGRN-related conditions. This variant is not present in population databases (gnomAD no frequency). This sequence change creates a premature translational stop signal (p.Ser557Leufs*175) in the AGRN gene. It is expected to result in an absent or disrupted protein product. Loss-of-function variants in AGRN are known to be pathogenic (PMID: 24951643).

Literature cited by the submitters: PubMed 24951643.

NM_198576.4(AGRN):c.1668del (p.Ser557fs)

Gene: AGRN (agrin; plus strand). Cytogenetic location: 1p36.33.
Variant type: Deletion.
Coding change: c.1668del on transcript NM_198576.4 (MANE Select); coding-DNA position 1668, one base deleted (C; older notation c.1668delC).
Protein change: p.Ser557fs; shifts the reading frame from serine 557.
Molecular consequence: frameshift variant.
Genome position (GRCh38, 1-based): chr1:1,043,602, C deleted; the last of 4 consecutive C bases (chr1:1,043,599-1,043,602); deleting any one gives the same sequence. VCF-style (leftmost placement, unchanged base first): chr1-1043598-GC-G. GRCh37 (hg19) VCF-style: chr1-978978-GC-G.
Other names: c.1668del, p.Ser557fs (NM_001305275.2); c.1353del, p.Ser452fs (NM_001364727.2); short protein forms S452fs, S557fs.
Identifiers: ClinVar variation 2043005 (VCV002043005.4), dbSNP rs2522689025, ClinGen allele CA2580061046.